The following is an entry in ClinVar:

ClinVar aggregate classification (germline): Uncertain significance (1 of 4 stars; one submission).

Conditions:
Gastrointestinal defects and immunodeficiency syndrome 2 (GIDID2). Also called: MULTIPLE INTESTINAL ATRESIA WITH OR WITHOUT LEUKOPENIA. Identifiers: MedGen C5676901, MONDO:0030669, OMIM 619708.
Spastic paraplegia 84, autosomal recessive (SPG84). Identifiers: Orphanet 631079, MedGen C5562025, MONDO:0030482, OMIM 619621.
Polymicrogyria, perisylvian, with cerebellar hypoplasia and arthrogryposis (NEDSPLB). Identifiers: MedGen C4225295, MONDO:0014679, OMIM 616531.

gnomAD v4.1: 1 of 1,613,564 alleles (0.000062%); highest among the groups gnomAD compares: Non-Finnish European, 0.000085%; no homozygotes.

Submission:

Juno Genomics, Hangzhou Juno Genomics, Inc
Classification: Uncertain significance for Spastic paraplegia 84, autosomal recessive; Gastrointestinal defects and immunodeficiency syndrome 2; Polymicrogyria, perisylvian, with cerebellar hypoplasia and arthrogryposis. Review status: criteria provided, single submitter. Criteria: ACMG Guidelines, 2015. Collection method: clinical testing. Allele origin: germline.
Comment: Missense variant in a gene that has a low rate of benign missense variation.;Multiple lines of computational evidence support a deleterious effect on the gene or gene product.;Absent from controls (or at extremely low frequency if recessive) in Genome Aggregation Database.

NM_058004.4(PI4KA):c.6281A>G (p.Gln2094Arg)

Gene: PI4KA (phosphatidylinositol 4-kinase alpha; minus strand). Cytogenetic location: 22q11.21.
Variant type: single nucleotide variant.
Coding change: c.6281A>G on transcript NM_058004.4 (MANE Select); coding-DNA position 6281, A replaced by G.
Protein change: p.Gln2094Arg; replaces glutamine 2094 with arginine.
Molecular consequence: missense variant.
Genome position (GRCh38, 1-based): chr22:20,708,075, T>C on the plus strand (A>G on the coding strand, the complement: PI4KA is on the minus strand). VCF-style: chr22-20708075-T-C. GRCh37 (hg19) VCF-style: chr22-21062363-T-C.
Other names: c.6188A>G, p.Gln2063Arg (NM_001362862.2); c.6215A>G, p.Gln2072Arg (NM_001362863.2); short protein forms Q2063R, Q2072R, Q2094R.
Identifiers: ClinVar variation 5006444 (VCV005006444.2).